The following is an entry in ClinVar:

NM_000263.4(NAGLU):c.202G>A (p.Gly68Ser)

Genes: NAGLU (N-acetyl-alpha-glucosaminidase; plus strand), LOC130060903 (ATAC-STARR-seq lymphoblastoid silent region 8533; plus strand). Cytogenetic location: 17q21.2.
Variant type: single nucleotide variant.
Coding change: c.202G>A on transcript NM_000263.4 (MANE Select); coding-DNA position 202, G replaced by A.
Protein change: p.Gly68Ser; replaces glycine 68 with serine.
Molecular consequence: missense variant.
Genome position (GRCh38, 1-based): chr17:42,536,474, G>A. VCF-style: chr17-42536474-G-A. GRCh37 (hg19) VCF-style: chr17-40688492-G-A.
Other names: short protein forms G68S.
Identifiers: ClinVar variation 2060172 (VCV002060172.4), dbSNP rs2506760089, ClinGen allele CA399595626.

ClinVar aggregate classification (germline): Uncertain significance (1 of 4 stars; one submission).

Conditions:
Charcot-Marie-Tooth disease axonal type 2V. Also called: CHARCOT-MARIE-TOOTH NEUROPATHY, TYPE 2V; CHARCOT-MARIE-TOOTH DISEASE, AXONAL, AUTOSOMAL DOMINANT, TYPE 2V. Identifiers: Orphanet 447964, MedGen C5569050, MONDO:0014665, OMIM 616491.
Mucopolysaccharidosis, MPS-III-B (MPS3B). Also called: N-ACETYL-ALPHA-D-GLUCOSAMINIDASE DEFICIENCY; NAGLU DEFICIENCY; SANFILIPPO SYNDROME B; MPS III B; MUCOPOLYSACCHARIDOSIS, TYPE IIIB; MPS IIIB (Sanfilippo Syndrome Type B). Identifiers: Orphanet 79270, MedGen C0086648, MONDO:0009656, OMIM 252920.

Allele frequency attached by ClinVar (database versions not stated): gnomAD exomes below 0.00001.
gnomAD v4.1: 1 of 1,213,210 alleles (0.000082%); highest among the groups gnomAD compares: Non-Finnish European, 0.0001%; no homozygotes.

Submission:

Labcorp Genetics (formerly Invitae), Labcorp
Classification: Uncertain significance for Charcot-Marie-Tooth disease axonal type 2V; Mucopolysaccharidosis, MPS-III-B. Last evaluated: 2022-03-18. Review status: criteria provided, single submitter. Criteria: Invitae Variant Classification Sherloc (09022015). Collection method: clinical testing. Allele origin: germline.
Comment: Advanced modeling of protein sequence and biophysical properties (such as structural, functional, and spatial information, amino acid conservation, physicochemical variation, residue mobility, and thermodynamic stability) performed at Invitae indicates that this missense variant is not expected to disrupt NAGLU protein function. In summary, the available evidence is currently insufficient to determine the role of this variant in disease. Therefore, it has been classified as a Variant of Uncertain Significance. This variant has not been reported in the literature in individuals affected with NAGLU-related conditions. This variant is not present in population databases (gnomAD no frequency). This sequence change replaces glycine, which is neutral and non-polar, with serine, which is neutral and polar, at codon 68 of the NAGLU protein (p.Gly68Ser).